The following is an entry in ClinVar:

ClinVar aggregate classification (germline): Likely benign (1 of 4 stars; one submission).

Allele frequency attached by ClinVar (database versions not stated): 1000 Genomes Project 0.00060; ExAC 0.00068; gnomAD 0.00070; 1000 Genomes Project 30x 0.00078; TOPMed 0.00106; ESP Exome Variant Server 0.00154.
gnomAD v4.1: 1,614 of 1,613,488 alleles (0.1%); highest among the groups gnomAD compares: Admixed American, 0.14%; 3 homozygotes.

Submission:

CeGaT Center for Human Genetics Tuebingen
Classification: Likely benign. Last evaluated: 2023-03-01. Review status: criteria provided, single submitter. Criteria: CeGaT Center For Human Genetics Tuebingen Variant Classification Criteria Version 2. Collection method: clinical testing. Allele origin: germline. Affected: yes. Observed: 1 variant allele.
Comment: TMC2: BP4, BP7

NM_080751.3(TMC2):c.1761G>A (p.Thr587=)

Gene: TMC2 (transmembrane channel like 2; plus strand). Cytogenetic location: 20p13.
Variant type: single nucleotide variant.
Coding change: c.1761G>A on transcript NM_080751.3 (MANE Select); coding-DNA position 1761, G replaced by A.
Protein change: p.Thr587=; no amino-acid change (threonine 587 retained).
Molecular consequence: synonymous variant.
Genome position (GRCh38, 1-based): chr20:2,613,211, G>A. VCF-style: chr20-2613211-G-A. GRCh37 (hg19) VCF-style: chr20-2593857-G-A.
Identifiers: ClinVar variation 2652149 (VCV002652149.24), dbSNP rs146684109, ClinGen allele CA9733667.